The following is an entry in ClinVar:

NC_000015.9:g.(?_38614422)_(38617030_?)del

Gene: SPRED1 (sprouty related EVH1 domain containing 1; plus strand). Cytogenetic location: 15q14.
Variant type: Deletion.
Identifiers: ClinVar variation 2427394 (VCV002427394.5).

ClinVar aggregate classification (germline): Pathogenic (1 of 4 stars; one submission).

Conditions:
Legius syndrome. Identifiers: Orphanet 137605, MedGen C1969623, MONDO:0012669, OMIM 611431. Disease mechanism: loss of function.

Submission:

Labcorp Genetics (formerly Invitae), Labcorp
Classification: Pathogenic for Legius syndrome. Last evaluated: 2022-05-03. Review status: criteria provided, single submitter. Criteria: Invitae Variant Classification Sherloc (09022015). Collection method: clinical testing. Allele origin: germline.
Comment: This variant is a gross deletion of the genomic region encompassing exon(s) 3-4 of the SPRED1 gene. This variant would be expected to be in-frame, preserving the integrity of the reading frame. This variant has not been reported in the literature in individuals affected with SPRED1-related conditions. This variant disrupts a region of the SPRED1 protein in which other variant(s) (p.Thr102) have been determined to be pathogenic (PMID: 19920235; Invitae). This suggests that this is a clinically significant region of the protein, and that variants that disrupt it are likely to be disease-causing. For these reasons, this variant has been classified as Pathogenic.

Literature cited by the submitters: PubMed 19920235.